The following is an entry in ClinVar:

ClinVar aggregate classification (germline): Uncertain significance. Review status: criteria provided, multiple submitters, no conflicts (2 of 4 stars). 3 submissions from 3 submitters: Uncertain significance (3). Last evaluated 2026-02-02.

Conditions:
Inborn genetic diseases. Identifiers: MedGen C0950123, MeSH D030342.
UMOD-related disorder. Also called: UMOD-related condition.
Familial juvenile hyperuricemic nephropathy type 1 (ADTKD1). Also called: Glomerulocystic kidney disease with hyperuricemia and isosthenuria; Medullary cystic kidney disease 2; Autosomal Dominant Tubulointerstitial Kidney Disease – UMOD; UMOD-Associated Kidney Disease; Uromodulin-associated kidney disease. Identifiers: Orphanet 209886, Orphanet 34149, Orphanet 88950, MedGen C4551496, MONDO:0008073, OMIM 162000.

Allele frequency attached by ClinVar (database versions not stated): gnomAD exomes 0.00001; TOPMed 0.00002.
gnomAD v4.1: 6 of 1,614,168 alleles (0.00037%); highest among the groups gnomAD compares: Admixed American, 0.01%; no homozygotes.

Submissions (3):

PreventionGenetics, part of Exact Sciences
Classification: Uncertain significance for UMOD-related condition. Last evaluated: 2026-02-02. Review status: criteria provided, single submitter. Criteria: ACMG Guidelines, 2015. Collection method: clinical testing. Allele origin: germline.
Comment: The UMOD c.19A>G variant is predicted to result in the amino acid substitution p.Thr7Ala. To our knowledge, this variant has not been reported in the literature. This variant is reported in 0.014% of alleles in individuals of Latino descent in gnomAD. At this time, the clinical significance of this variant is uncertain due to the absence of conclusive functional and genetic evidence.

Fulgent Genetics
Classification: Uncertain significance for Familial juvenile hyperuricemic nephropathy type 1. Last evaluated: 2024-01-08. Review status: criteria provided, single submitter. Criteria: ACMG Guidelines, 2015. Collection method: clinical testing. Allele origin: germline.

Ambry Genetics
Classification: Uncertain significance for Inborn genetic diseases. Last evaluated: 2021-10-22. Review status: criteria provided, single submitter. Criteria: Ambry Variant Classification Scheme 2023. Collection method: clinical testing. Allele origin: germline.

NM_003361.4(UMOD):c.19A>G (p.Thr7Ala)

Gene: UMOD (uromodulin; minus strand). Cytogenetic location: 16p12.3.
Variant type: single nucleotide variant.
Coding change: c.19A>G on transcript NM_003361.4 (MANE Select); coding-DNA position 19, A replaced by G.
Protein change: p.Thr7Ala; replaces threonine 7 with alanine.
Molecular consequence: missense variant. On other transcripts: non-coding transcript variant (1).
Genome position (GRCh38, 1-based): chr16:20,350,719, T>C on the plus strand (A>G on the coding strand, the complement: UMOD is on the minus strand). VCF-style: chr16-20350719-T-C. GRCh37 (hg19) VCF-style: chr16-20362041-T-C.
Other names: c.19A>G (NM_003361.3); c.19A>G, p.Thr7Ala (NM_001008389.3, NM_001278614.2, NM_001378232.1 and 4 more transcripts); short protein forms T7A.
Identifiers: ClinVar variation 2397232 (VCV002397232.4), dbSNP rs1352086874, ClinGen allele CA394967064.